The following is an entry in ClinVar:

NC_000016.9:g.(?_89805009)_(89833665_?)del

Genes: FANCA (FA complementation group A; minus strand), ZNF276 (zinc finger protein 276; plus strand). Cytogenetic location: 16q24.3.
Variant type: Deletion.
Identifiers: ClinVar variation 1459600 (VCV001459600.4).

ClinVar aggregate classification (germline): Pathogenic (1 of 4 stars; one submission).

Conditions:
Fanconi anemia (FA). Also called: Fanconi's anemia. Identifiers: Orphanet 84, MedGen C0015625, MeSH D005199, MONDO:0019391.

Submission:

Labcorp Genetics (formerly Invitae), Labcorp
Classification: Pathogenic for Fanconi anemia. Last evaluated: 2021-08-25. Review status: criteria provided, single submitter. Criteria: Invitae Variant Classification Sherloc (09022015). Collection method: clinical testing. Allele origin: germline.
Comment: For these reasons, this variant has been classified as Pathogenic. This variant disrupts a region of the FANCA protein in which other variant(s) (p.Asp1427Thrfs*6) have been determined to be pathogenic (PMID: 11091222; Invitae). This suggests that this is a clinically significant region of the protein, and that variants that disrupt it are likely to be disease-causing. A similar copy number variant has been observed in individual(s) with Fanconi anemia (PMID: 29098742, 31586946). This variant is a gross deletion of the genomic region encompassing exon(s) 27-43 of the FANCA gene, which includes the termination codon. This deletion extends beyond the assayed region for this gene and therefore may encompass additional genes. While this deletion is not anticipated to lead to nonsense mediated decay, it is expected to alter mRNA translation or result in a truncated protein product.

Literature cited by the submitters: PubMed 11091222; PubMed 29098742; PubMed 31586946.